The following is an entry in ClinVar:

ClinVar aggregate classification (germline): Uncertain significance (1 of 4 stars; one submission).

Conditions:
Cenani-Lenz syndactyly syndrome. Also called: CENANI SYNDACTYLISM; SYNDACTYLY, TYPE VII. Identifiers: Orphanet 3258, MedGen C1859309, MONDO:0008931, OMIM 212780.
Sclerosteosis 2 (SOST2). Identifiers: Orphanet 3152, MedGen C3280402, MONDO:0013679, OMIM 614305.
Congenital myasthenic syndrome 17. Identifiers: Orphanet 590, MedGen C4225377, MONDO:0014578, OMIM 616304.

Submission:

Labcorp Genetics (formerly Invitae), Labcorp
Classification: Uncertain significance for Cenani-Lenz syndactyly syndrome; Sclerosteosis 2; Congenital myasthenic syndrome 17. Last evaluated: 2022-07-25. Review status: criteria provided, single submitter. Criteria: Invitae Variant Classification Sherloc (09022015). Collection method: clinical testing. Allele origin: germline.
Comment: In summary, the available evidence is currently insufficient to determine the role of this variant in disease. Therefore, it has been classified as a Variant of Uncertain Significance. Algorithms developed to predict the effect of missense changes on protein structure and function output the following: SIFT: "Tolerated"; PolyPhen-2: "Benign"; Align-GVGD: "Class C0". The serine amino acid residue is found in multiple mammalian species, which suggests that this missense change does not adversely affect protein function. This variant has not been reported in the literature in individuals affected with LRP4-related conditions. This variant is not present in population databases (gnomAD no frequency). This sequence change replaces asparagine, which is neutral and polar, with serine, which is neutral and polar, at codon 1801 of the LRP4 protein (p.Asn1801Ser).

NM_002334.4(LRP4):c.5402A>G (p.Asn1801Ser)

Genes: LRP4 (LDL receptor related protein 4; minus strand), LRP4-AS1 (LRP4 antisense RNA 1; plus strand). Cytogenetic location: 11p11.2.
Variant type: single nucleotide variant.
Coding change: c.5402A>G on transcript NM_002334.4 (MANE Select); coding-DNA position 5402, A replaced by G.
Protein change: p.Asn1801Ser; replaces asparagine 1801 with serine.
Molecular consequence: missense variant.
Genome position (GRCh38, 1-based): chr11:46,859,299, T>C on the plus strand (A>G on the coding strand, the complement: LRP4 is on the minus strand). VCF-style: chr11-46859299-T-C. GRCh37 (hg19) VCF-style: chr11-46880850-T-C.
Other names: short protein forms N1801S.
Identifiers: ClinVar variation 2059955 (VCV002059955.4), dbSNP rs140715783, ClinGen allele CA380284700.